The following is an entry in ClinVar:

ClinVar aggregate classification (germline): Uncertain significance. Review status: criteria provided, multiple submitters, no conflicts (2 of 4 stars). 2 submissions from 2 submitters: Uncertain significance (2). Last evaluated 2025-03-27.

Conditions:
Inborn genetic diseases. Identifiers: MedGen C0950123, MeSH D030342.

Allele frequency attached by ClinVar (database versions not stated): gnomAD 0.00001; gnomAD exomes 0.00004; ExAC 0.00009.

Submissions (2):

Labcorp Genetics (formerly Invitae), Labcorp
Classification: Uncertain significance. Last evaluated: 2025-03-27. Review status: criteria provided, single submitter. Criteria: Invitae Variant Classification Sherloc (09022015). Collection method: clinical testing. Allele origin: germline.
Comment: This sequence change replaces arginine, which is basic and polar, with glutamine, which is neutral and polar, at codon 1275 of the MCM3AP protein (p.Arg1275Gln). This variant is present in population databases (rs753539947, gnomAD 0.02%). This variant has not been reported in the literature in individuals affected with MCM3AP-related conditions. ClinVar contains an entry for this variant (Variation ID: 1450067). An algorithm developed to predict the effect of missense changes on protein structure and function outputs the following: PolyPhen-2: "Benign". The glutamine amino acid residue is found in multiple mammalian species, which suggests that this missense change does not adversely affect protein function. In summary, the available evidence is currently insufficient to determine the role of this variant in disease. Therefore, it has been classified as a Variant of Uncertain Significance.

Ambry Genetics
Classification: Uncertain significance for Inborn genetic diseases. Last evaluated: 2022-09-06. Review status: criteria provided, single submitter. Criteria: Ambry Variant Classification Scheme 2023. Collection method: clinical testing. Allele origin: germline.

NM_003906.5(MCM3AP):c.3824G>A (p.Arg1275Gln)

Gene: MCM3AP (minichromosome maintenance complex component 3 associated protein; minus strand). Cytogenetic location: 21q22.3.
Variant type: single nucleotide variant.
Coding change: c.3824G>A on transcript NM_003906.5 (MANE Select); coding-DNA position 3824, G replaced by A.
Protein change: p.Arg1275Gln; replaces arginine 1275 with glutamine.
Molecular consequence: missense variant.
Genome position (GRCh38, 1-based): chr21:46,256,897, C>T on the plus strand (G>A on the coding strand, the complement: MCM3AP is on the minus strand). VCF-style: chr21-46256897-C-T. GRCh37 (hg19) VCF-style: chr21-47676811-C-T.
Other names: c.3824G>A (NM_003906.3); short protein forms R1275Q.
Identifiers: ClinVar variation 1450067 (VCV001450067.5), dbSNP rs753539947, ClinGen allele CA10076356.